The following is an entry in ClinVar:

ClinVar aggregate classification (germline): Uncertain significance. Review status: criteria provided, multiple submitters, no conflicts (2 of 4 stars). 2 submissions from 2 submitters: Uncertain significance (2). Last evaluated 2024-12-16.

Conditions:
Hereditary cancer-predisposing syndrome. Also called: Tumor predisposition; Hereditary neoplastic syndrome; Hereditary Cancer Syndrome; Neoplastic Syndromes, Hereditary. Identifiers: Orphanet 140162, MedGen C0027672, MeSH D009386, MONDO:0015356.
EGFR-related lung cancer (EGFR). Identifiers: MedGen CN130014.

Allele frequency attached by ClinVar (database versions not stated): gnomAD exomes below 0.00001; TOPMed below 0.00001.
gnomAD v4.1: 2 of 1,614,156 alleles (0.00012%); highest among the groups gnomAD compares: Non-Finnish European, 0.00017%; no homozygotes.

Submissions (2):

Ambry Genetics
Classification: Uncertain significance for Hereditary cancer-predisposing syndrome. Last evaluated: 2024-12-16. Review status: criteria provided, single submitter. Criteria: Ambry Variant Classification Scheme 2023. Collection method: clinical testing. Allele origin: germline.
Comment: The c.1298+3A>G intronic variant results from an A to G substitution 3 nucleotides after coding exon 11 in the EGFR gene. This nucleotide position is well conserved in available vertebrate species. In silico splice site analysis for this alteration is inconclusive. Based on the available evidence, the clinical significance of this variant remains unclear.

Labcorp Genetics (formerly Invitae), Labcorp
Classification: Uncertain significance for EGFR-related lung cancer. Last evaluated: 2023-03-04. Review status: criteria provided, single submitter. Criteria: Invitae Variant Classification Sherloc (09022015). Collection method: clinical testing. Allele origin: germline.
Comment: This sequence change falls in intron 11 of the EGFR gene. It does not directly change the encoded amino acid sequence of the EGFR protein. It affects a nucleotide within the consensus splice site. This variant is not present in population databases (gnomAD no frequency). This variant has not been reported in the literature in individuals affected with EGFR-related conditions. Variants that disrupt the consensus splice site are a relatively common cause of aberrant splicing (PMID: 17576681, 9536098). Algorithms developed to predict the effect of sequence changes on RNA splicing suggest that this variant is not likely to affect RNA splicing. In summary, the available evidence is currently insufficient to determine the role of this variant in disease. Therefore, it has been classified as a Variant of Uncertain Significance.

Literature cited by the submitters: PubMed 17576681 (cited by Labcorp Genetics (formerly Invitae), Labcorp); PubMed 9536098 (cited by Labcorp Genetics (formerly Invitae), Labcorp).

NM_005228.5(EGFR):c.1298+3A>G

Gene: EGFR (epidermal growth factor receptor; plus strand). Cytogenetic location: 7p11.2.
Variant type: single nucleotide variant.
Coding change: c.1298+3A>G on transcript NM_005228.5 (MANE Select); 3 bases into the intron after coding-DNA position 1298, A replaced by G.
Molecular consequence: intron variant.
Genome position (GRCh38, 1-based): chr7:55,157,756, A>G. VCF-style: chr7-55157756-A-G. GRCh37 (hg19) VCF-style: chr7-55225449-A-G.
Other names: c.1163+3A>G (NM_001346899.2, NM_001346897.2); c.497+3A>G (NM_001346941.2); c.1298+3A>G (NM_001346898.2, NM_201284.2, NM_201282.2 and 1 more transcripts); c.1139+3A>G (NM_001346900.2).
Identifiers: ClinVar variation 3020526 (VCV003020526.4), dbSNP rs1785502922, ClinGen allele CA1708903423.